The following is an entry in ClinVar:

ClinVar aggregate classification (germline): Likely pathogenic. Review status: reviewed by expert panel (3 of 4 stars). 3 submissions from 3 submitters: Likely pathogenic (1). 2 of the submissions do not count toward it. Last evaluated 2019-12-22.

Conditions:
Phenylketonuria (PKU). Also called: Phenylketonuria (PKU); FOLLING DISEASE; OLIGOPHRENIA PHENYLPYRUVICA; Phenylketonurias. Identifiers: Orphanet 716, MedGen C0031485, MONDO:0009861, OMIM 261600. Disease mechanism: loss of function.

Submissions (3):

ClinGen PAH Variant Curation Expert Panel
Classification: Likely pathogenic for Phenylketonuria. Last evaluated: 2019-12-22. Review status: reviewed by expert panel. Criteria: ClinGen PAH ACMG Specifications v1. Collection method: curation. Allele origin: germline. Inheritance: Autosomal recessive inheritance.
Comment: The PAH variant c.460T>C (p.Tyr154His) has been reported in three Chinese individuals with PHA deficiency (Phe levels >120 microM). All mutations identified were confirmed by analyzing parental DNA. BH4 deficiency was excluded by analysis of urinary pterins and dihydropteridine reductase activity in erythrocytes (PMID: 26322415). This variant was also reported in two other Chinese patients with undetermined PKU/MHP phenotype (PMID: 26503515, and PMID: 19915519). The PAH variant c.460T>C (p.Tyr154His) is absent from the gnomAD, ExAC, 1000 Genomes, and ESP population databases. In silico modeling, predictions support that this missense variant could have a deleterious effect on the PAH gene or gene product. This variant is predicted to be deleterious by SIFT, probably damaging by PolyPhen2- HumVar, and disease-causing by Mutation Taster. In summary, this variant meets criteria to be classified as likely pathogenic for PAH. PAH-specific ACMG/AMP criteria applied: PM2, PM3, PP3, and PP4_Moderate.

Baylor Genetics
Classification: Pathogenic for Phenylketonuria. Last evaluated: 2023-02-28. Review status: criteria provided, single submitter. Criteria: ACMG Guidelines, 2015. Collection method: clinical testing. Allele origin: unknown. Not counted in ClinVar's aggregate classification.

DeBelle Laboratory for Biochemical Genetics, MUHC/MCH RESEARCH INSTITUTE
No classification provided. Review status: no classification provided. Collection method: not provided. Allele origin: not provided. Not counted in ClinVar's aggregate classification.

Literature cited by the submitters: PubMed 19915519 (cited by ClinGen PAH Variant Curation Expert Panel); PubMed 16256386 (cited by ClinGen PAH Variant Curation Expert Panel); PubMed 26322415 (cited by ClinGen PAH Variant Curation Expert Panel); PubMed 26503515 (cited by ClinGen PAH Variant Curation Expert Panel).

NM_000277.3(PAH):c.460T>C (p.Tyr154His)

Gene: PAH (phenylalanine hydroxylase; minus strand). Cytogenetic location: 12q23.2.
Variant type: single nucleotide variant.
Coding change: c.460T>C on transcript NM_000277.3 (MANE Select); coding-DNA position 460, T replaced by C.
Protein change: p.Tyr154His; replaces tyrosine 154 with histidine.
Molecular consequence: missense variant.
Genome position (GRCh38, 1-based): chr12:102,866,645, A>G on the plus strand (T>C on the coding strand, the complement: PAH is on the minus strand). VCF-style: chr12-102866645-A-G. GRCh37 (hg19) VCF-style: chr12-103260423-A-G.
Other names: c.460T>C, p.Tyr154His (NM_001354304.2); short protein forms Y154H.
Identifiers: ClinVar variation 102685 (VCV000102685.3), dbSNP rs199475587, ClinGen allele CA229557.
Genomic context (GRCh38, chr12:102,866,645, plus strand): 5'-GGCAGACTTACTGGCGGTAGTTGTAGGCAATGTCAGCAAACTGCTTCCGTCTTGCACGGT[A>G]CACAGGATCTTTAAAACCCTAGGAGAAAAGAGACACCTGATTTTTCAAGGCTTCATAGGA-3'
Protein context (NP_000268.1, residues 144-164): ADHPGFKDPV[Tyr154His]RARRKQFADI